The following is an entry in ClinVar:

ClinVar aggregate classification (germline): Likely benign (1 of 4 stars; one submission).

Allele frequency attached by ClinVar (database versions not stated): 1000 Genomes Project 0.00080; 1000 Genomes Project 30x 0.00094; gnomAD 0.00113; TOPMed 0.00114; gnomAD exomes 0.00124.
gnomAD v4.1: 499 of 409,192 alleles (0.12%); highest among the groups gnomAD compares: Middle Eastern, 0.25%; 1 homozygote.

Submission:

CeGaT Center for Human Genetics Tuebingen
Classification: Likely benign. Last evaluated: 2026-08-01. Review status: criteria provided, single submitter. Criteria: CeGaT Center For Human Genetics Tuebingen Variant Classification Criteria Version 2. Collection method: clinical testing. Allele origin: germline. Affected: yes. Observed: 12 variant alleles.
Comment: KCNQ1OT1: BS2

NM_000218.3(KCNQ1):c.1514+560G>A

Genes: KCNQ1 (potassium voltage-gated channel subfamily Q member 1; plus strand), KCNQ1OT1 (KCNQ1 opposite strand/antisense transcript 1; minus strand). Cytogenetic location: 11p15.5.
Variant type: single nucleotide variant.
Coding change: c.1514+560G>A on transcript NM_000218.3 (MANE Select); 560 bases into the intron after coding-DNA position 1514, G replaced by A.
Molecular consequence: intron variant.
Genome position (GRCh38, 1-based): chr11:2,662,641, G>A. VCF-style: chr11-2662641-G-A. GRCh37 (hg19) VCF-style: chr11-2683871-G-A.
Other names: c.1244+560G>A (NM_001406837.1); c.1418+560G>A (NM_001406836.1); c.974+560G>A (NM_001406838.1); c.1133+560G>A (NM_181798.2).
Identifiers: ClinVar variation 1879182 (VCV001879182.29), dbSNP rs148158366, ClinGen allele CA216171588.
Genomic context (GRCh38, chr11:2,662,641, plus strand): 5'-GCATGCCCGTCCTCCCCCGCCGTCACGGCATGGCCAGGCCAATCCCCGGTGCCCGGCCAC[G>A]GTGTGATTCCCCTGCGACATGTGACTCCCCGCTGGGGTGCCCAGCGGTGACAGCCGTGCA-3'